The following is an entry in ClinVar:

NM_014915.3(ANKRD26):c.2376-4G>A

Gene: ANKRD26 (ankyrin repeat domain 26; minus strand). Cytogenetic location: 10p12.1.
Variant type: single nucleotide variant.
Coding change: c.2376-4G>A on transcript NM_014915.3 (MANE Select); 4 bases into the intron before coding-DNA position 2376, G replaced by A.
Molecular consequence: intron variant.
Genome position (GRCh38, 1-based): chr10:27,038,058, C>T on the plus strand (G>A on the coding strand, the complement: ANKRD26 is on the minus strand). VCF-style: chr10-27038058-C-T. GRCh37 (hg19) VCF-style: chr10-27326987-C-T.
Other names: p.?; c.2373-4G>A (NM_001256053.2).
Identifiers: ClinVar variation 260462 (VCV000260462.20), dbSNP rs75445709, ClinGen allele CA5448230.

ClinVar aggregate classification (germline): Benign. Review status: criteria provided, multiple submitters, no conflicts (2 of 4 stars). 8 submissions from 8 submitters: Benign (8). Last evaluated 2026-02-01.

Conditions:
Thrombocytopenia 2 (THC2). Also called: ANKRD26-Related Thrombocytopenia. Identifiers: Orphanet 268322, MedGen C1861185, MONDO:0008555, OMIM 188000.

Allele frequency attached by ClinVar (database versions not stated): 1000 Genomes Project 0.02137; ExAC 0.00623; 1000 Genomes Project 30x 0.02498; gnomAD exomes 0.00537 and 0.00205; gnomAD 0.02109 and 0.02272; ESP Exome Variant Server 0.02205; TOPMed 0.02399.
gnomAD v4.1: 6,314 of 1,605,426 alleles (0.39%); highest among the groups gnomAD compares: African/African-American, 7.5%; 225 homozygotes.

Submissions (8):

Labcorp Genetics (formerly Invitae), Labcorp
Classification: Benign. Last evaluated: 2026-02-01. Review status: criteria provided, single submitter. Criteria: Invitae Variant Classification Sherloc (09022015). Collection method: clinical testing. Allele origin: germline.

ARUP Laboratories, Molecular Genetics and Genomics, ARUP Laboratories
Classification: Benign for Thrombocytopenia 2. Last evaluated: 2025-05-16. Review status: criteria provided, single submitter. Criteria: ARUP Molecular Germline Variant Investigation Process 2024. Collection method: clinical testing. Allele origin: germline.

Mayo Clinic Laboratories, Mayo Clinic
Classification: Benign. Last evaluated: 2024-03-24. Review status: criteria provided, single submitter. Criteria: ACMG Guidelines, 2015. Collection method: clinical testing. Allele origin: germline. Observed: 13 variant alleles.

Genome-Nilou Lab
Classification: Benign for Thrombocytopenia 2. Last evaluated: 2021-12-05. Review status: criteria provided, single submitter. Criteria: ACMG Guidelines, 2015. Collection method: clinical testing. Allele origin: germline. Affected: no.

GeneDx
Classification: Benign. Last evaluated: 2019-01-08. Review status: criteria provided, single submitter. Criteria: GeneDx Variant Classification Process June 2021. Collection method: clinical testing. Allele origin: germline. Affected: yes.

Illumina Laboratory Services, Illumina
Classification: Benign for Thrombocytopenia 2. Last evaluated: 2018-01-12. Review status: criteria provided, single submitter. Criteria: ICSL Variant Classification Criteria 13 December 2019. Collection method: clinical testing. Allele origin: germline.
Comment: This variant was observed in the ICSL laboratory as part of a predisposition screen in an ostensibly healthy population. It had not been previously curated by ICSL or reported in the Human Gene Mutation Database (HGMD: prior to June 1st, 2018), and was therefore a candidate for classification through an automated scoring system. Utilizing variant allele frequency, disease prevalence and penetrance estimates, and inheritance mode, an automated score was calculated to assess if this variant is too frequent to cause the disease. Based on the score and internal cut-off values, a variant classified as benign is not then subjected to further curation. The score for this variant resulted in a classification of benign for this disease.

Breakthrough Genomics
Classification: Benign. Review status: criteria provided, single submitter. Criteria: ACMG Guidelines, 2015. Collection method: not provided. Allele origin: germline. Inheritance: Autosomal dominant inheritance. Affected: yes.

PreventionGenetics, part of Exact Sciences
Classification: Benign. Review status: criteria provided, single submitter. Criteria: ACMG Guidelines, 2015. Collection method: clinical testing. Allele origin: germline.